The following is an entry in ClinVar:

NM_004341.5(CAD):c.5210G>A (p.Arg1737Gln)

Gene: CAD (carbamoyl-phosphate synthetase 2, aspartate transcarbamylase, and dihydroorotase; plus strand). Cytogenetic location: 2p23.3.
Variant type: single nucleotide variant.
Coding change: c.5210G>A on transcript NM_004341.5 (MANE Select); coding-DNA position 5210, G replaced by A.
Protein change: p.Arg1737Gln; replaces arginine 1737 with glutamine.
Molecular consequence: missense variant.
Genome position (GRCh38, 1-based): chr2:27,239,189, G>A. VCF-style: chr2-27239189-G-A. GRCh37 (hg19) VCF-style: chr2-27462057-G-A.
Other names: c.5021G>A, p.Arg1674Gln (NM_001306079.2); c.5210G>A (NM_004341.3); short protein forms R1674Q, R1737Q.
Identifiers: ClinVar variation 1421151 (VCV001421151.7), dbSNP rs368706860, ClinGen allele CA1573776.

ClinVar aggregate classification (germline): Uncertain significance. Review status: criteria provided, multiple submitters, no conflicts (2 of 4 stars). 2 submissions from 2 submitters: Uncertain significance (2). Last evaluated 2025-05-19.

Conditions:
Inborn genetic diseases. Identifiers: MedGen C0950123, MeSH D030342.

Allele frequency attached by ClinVar (database versions not stated): ESP Exome Variant Server 0.00008; TOPMed 0.00004; gnomAD 0.00003.

Submissions (2):

Ambry Genetics
Classification: Uncertain significance for Inborn genetic diseases. Last evaluated: 2025-05-19. Review status: criteria provided, single submitter. Criteria: Ambry Variant Classification Scheme 2023. Collection method: clinical testing. Allele origin: germline.

Labcorp Genetics (formerly Invitae), Labcorp
Classification: Uncertain significance. Last evaluated: 2024-12-02. Review status: criteria provided, single submitter. Criteria: Invitae Variant Classification Sherloc (09022015). Collection method: clinical testing. Allele origin: germline.
Comment: This sequence change replaces arginine, which is basic and polar, with glutamine, which is neutral and polar, at codon 1737 of the CAD protein (p.Arg1737Gln). This variant is present in population databases (rs368706860, gnomAD 0.02%). This variant has not been reported in the literature in individuals affected with CAD-related conditions. ClinVar contains an entry for this variant (Variation ID: 1421151). An algorithm developed to predict the effect of missense changes on protein structure and function (PolyPhen-2) suggests that this variant¬†is likely to be tolerated. In summary, the available evidence is currently insufficient to determine the role of this variant in disease. Therefore, it has been classified as a Variant of Uncertain Significance.